The following is an entry in ClinVar:

ClinVar aggregate classification (germline): Uncertain significance (1 of 4 stars; one submission).

Conditions:
Wolcott-Rallison dysplasia. Also called: MED-IDDM SYNDROME; Wolcott-Rallison syndrome. Identifiers: Orphanet 1667, MedGen C0432217, MONDO:0009192, OMIM 226980.

Allele frequency attached by ClinVar (database versions not stated): gnomAD 0.00001.
gnomAD v4.1: 2 of 1,613,630 alleles (0.00012%); highest among the groups gnomAD compares: Non-Finnish European, 0.00017%; no homozygotes.

Submission:

Baylor Genetics
Classification: Uncertain significance for Wolcott-Rallison dysplasia. Last evaluated: 2020-03-05. Review status: criteria provided, single submitter. Criteria: ACMG Guidelines, 2015. Collection method: clinical testing. Allele origin: unknown. Affected: yes.
Comment: This variant was determined to be of uncertain significance according to ACMG Guidelines, 2015 [PMID:25741868].

NM_004836.7(EIF2AK3):c.1085C>T (p.Thr362Ile)

Gene: EIF2AK3 (eukaryotic translation initiation factor 2 alpha kinase 3; minus strand). Cytogenetic location: 2p11.2.
Variant type: single nucleotide variant.
Coding change: c.1085C>T on transcript NM_004836.7 (MANE Select); coding-DNA position 1085, C replaced by T.
Protein change: p.Thr362Ile; replaces threonine 362 with isoleucine.
Molecular consequence: missense variant.
Genome position (GRCh38, 1-based): chr2:88,590,523, G>A on the plus strand (C>T on the coding strand, the complement: EIF2AK3 is on the minus strand). VCF-style: chr2-88590523-G-A. GRCh37 (hg19) VCF-style: chr2-88890041-G-A.
Other names: c.632C>T, p.Thr211Ile (NM_001313915.2); short protein forms T362I, T211I.
Identifiers: ClinVar variation 1028301 (VCV001028301.1), dbSNP rs1674857627, ClinGen allele CA347595522.